The following is an entry in ClinVar:

NM_002878.4(RAD51D):c.745A>C (p.Asn249His)

Genes: RAD51D (RAD51 paralog D; minus strand), RAD51L3-RFFL (RAD51L3-RFFL readthrough; minus strand). Cytogenetic location: 17q12.
Variant type: single nucleotide variant.
Coding change: c.745A>C on transcript NM_002878.4 (MANE Select); coding-DNA position 745, A replaced by C.
Protein change: p.Asn249His; replaces asparagine 249 with histidine.
Molecular consequence: missense variant. On other transcripts: non-coding transcript variant (3).
Genome position (GRCh38, 1-based): chr17:35,101,359, T>G on the plus strand (A>C on the coding strand, the complement: RAD51D is on the minus strand). VCF-style: chr17-35101359-T-G. GRCh37 (hg19) VCF-style: chr17-33428378-T-G.
Other names: c.805A>C, p.Asn269His (NM_001142571.2); c.409A>C, p.Asn137His (NM_133629.3); short protein forms N137H, N249H, N269H.
Identifiers: ClinVar variation 3369811 (VCV003369811.1).
Genomic context (GRCh38, chr17:35,101,359, plus strand): 5'-TCCAGGAGCGTCCGAGGGCAGGTTTGAGCCTCCCGCTGTCCCTGTCTCGAGTTATGTGGT[T>G]GGTCACCTGCAGCAGAAACAGACTTACAGATCCATAATGCTAGTATAGAGGACATCGATT-3'
Protein context (NP_002869.3, residues 239-259): RDLGMAVVVT[Asn249His]HITRDRDSGR

ClinVar aggregate classification (germline): Uncertain significance (1 of 4 stars; one submission).

Submission:

GeneDx
Classification: Uncertain significance. Last evaluated: 2024-03-05. Review status: criteria provided, single submitter. Criteria: GeneDx Variant Classification Process June 2021. Collection method: clinical testing. Allele origin: germline. Affected: yes.
Comment: Not observed at significant frequency in large population cohorts (gnomAD); In silico analysis supports that this missense variant has a deleterious effect on protein structure/function; Has not been previously published as pathogenic or benign to our knowledge; This variant is associated with the following publications: (PMID: 21111057, 14704354, 19327148)